The following is an entry in ClinVar:

ClinVar aggregate classification (germline): Benign. Review status: criteria provided, single submitter (1 of 4 stars). 2 submissions from 2 submitters: Benign (1). 1 of the submissions does not count toward it. Last evaluated 2024-12-18.

Conditions:
FOXC1-related disorder. Also called: FOXC1-related condition.
Axenfeld-Rieger syndrome type 3 (RIEG3). Also called: AXENFELD-RIEGER ANOMALY WITH CARDIAC DEFECTS AND/OR SENSORINEURAL HEARING LOSS. Identifiers: Orphanet 782, MedGen C2678503, MONDO:0011233, OMIM 602482.

Allele frequency attached by ClinVar (database versions not stated): gnomAD 0.00001 and 0.00019; 1000 Genomes Project 30x 0.00078; ExAC 0.00078; 1000 Genomes Project 0.00100; TOPMed 0.00003; gnomAD exomes 0.00034 and 0.00068.
gnomAD v4.1: 520 of 1,614,114 alleles (0.032%); highest among the groups gnomAD compares: South Asian, 0.54%; 6 homozygotes.

Submissions (2):

Labcorp Genetics (formerly Invitae), Labcorp
Classification: Benign for Axenfeld-Rieger syndrome type 3. Last evaluated: 2024-12-18. Review status: criteria provided, single submitter. Criteria: Invitae Variant Classification Sherloc (09022015). Collection method: clinical testing. Allele origin: germline.

PreventionGenetics, part of Exact Sciences
Classification: Benign for FOXC1-related condition. Last evaluated: 2019-06-21. Review status: no assertion criteria provided. Collection method: clinical testing. Allele origin: germline. Not counted in ClinVar's aggregate classification.
Comment: This variant is classified as benign based on ACMG/AMP sequence variant interpretation guidelines (Richards et al. 2015 PMID: 25741868, with internal and published modifications).

NM_001453.3(FOXC1):c.333C>T (p.Arg111=)

Gene: FOXC1 (forkhead box C1; plus strand). Cytogenetic location: 6p25.3.
Variant type: single nucleotide variant.
Coding change: c.333C>T on transcript NM_001453.3 (MANE Select); coding-DNA position 333, C replaced by T.
Protein change: p.Arg111=; no amino-acid change (arginine 111 retained).
Molecular consequence: synonymous variant.
Genome position (GRCh38, 1-based): chr6:1,610,778, C>T. VCF-style: chr6-1610778-C-T. GRCh37 (hg19) VCF-style: chr6-1611013-C-T.
Identifiers: ClinVar variation 716557 (VCV000716557.13), dbSNP rs547414473, ClinGen allele CA3614741.
Genomic context (GRCh38, chr6:1,610,778, plus strand): 5'-CCAGAACGCCCCGGACAAGAAGATCACCCTGAACGGCATCTACCAGTTCATCATGGACCG[C>T]TTCCCCTTCTACCGGGACAACAAGCAGGGCTGGCAGAACAGCATCCGCCACAACCTCTCG-3'
Protein context (NP_001444.2, residues 101-121): LNGIYQFIMD[Arg111=]FPFYRDNKQG